The following is an entry in ClinVar:

ClinVar aggregate classification (germline): Likely benign (1 of 4 stars; one submission).

Conditions:
Myoglobinuria, acute recurrent, autosomal recessive. Also called: Myoglobinuria, recurrent, autosomal recessive; MYOGLOBINURIA, FAMILIAL PAROXYSMAL PARALYTIC; RHABDOMYOLYSIS, ACUTE RECURRENT. Identifiers: Orphanet 99845, MedGen C1849386, MONDO:0009992, OMIM 268200.

Allele frequency attached by ClinVar (database versions not stated): 1000 Genomes Project 0.00260; 1000 Genomes Project 30x 0.00281; TOPMed 0.00420.

Submission:

Illumina Laboratory Services, Illumina
Classification: Likely benign for Myoglobinuria, acute recurrent, autosomal recessive. Last evaluated: 2018-01-13. Review status: criteria provided, single submitter. Criteria: ICSL Variant Classification Criteria 13 December 2019. Collection method: clinical testing. Allele origin: germline.
Comment: This variant was observed in the ICSL laboratory as part of a predisposition screen in an ostensibly healthy population. It had not been previously curated by ICSL or reported in the Human Gene Mutation Database (HGMD: prior to June 1st, 2018), and was therefore a candidate for classification through an automated scoring system. Utilizing variant allele frequency, disease prevalence and penetrance estimates, and inheritance mode, an automated score was calculated to assess if this variant is too frequent to cause the disease. Based on the score and internal cut-off values, a variant classified as likely benign is not then subjected to further curation. The score for this variant resulted in a classification of likely benign for this disease.

NM_001349206.2(LPIN1):c.*1933G>C

Gene: LPIN1 (lipin 1; plus strand). Cytogenetic location: 2p25.1.
Variant type: single nucleotide variant.
Coding change: c.*1933G>C on transcript NM_001349206.2 (MANE Select); 1933 bases downstream of the stop codon, G replaced by C.
Molecular consequence: 3 prime UTR variant. On other transcripts: non-coding transcript variant (1).
Genome position (GRCh38, 1-based): chr2:11,826,724, G>C. VCF-style: chr2-11826724-G-C. GRCh37 (hg19) VCF-style: chr2-11966850-G-C.
Other names: c.*1933G>C (NM_001261427.3, NM_001261428.3, NM_001349199.2 and 9 more transcripts).
Identifiers: ClinVar variation 894162 (VCV000894162.4), dbSNP rs148741595, ClinGen allele CA42599178.
Genomic context (GRCh38, chr2:11,826,724, plus strand): 5'-GCCTGCAAAGGTTCAGACGGTTTCTCCTTTGCACCCAGGAGGAACTTTGGCTGCGAGAAT[G>C]GGGGGATGTATCCCTCATGCAGTTGGCATCCAGGCAGCCCTCTGCAGCAGCACACCCTGC-3'